The following is an entry in ClinVar:

NM_080669.6(SLC46A1):c.158C>T (p.Ala53Val)

Gene: SLC46A1 (solute carrier family 46 member 1; minus strand). Cytogenetic location: 17q11.2.
Variant type: single nucleotide variant.
Coding change: c.158C>T on transcript NM_080669.6 (MANE Select); coding-DNA position 158, C replaced by T.
Protein change: p.Ala53Val; replaces alanine 53 with valine.
Molecular consequence: missense variant.
Genome position (GRCh38, 1-based): chr17:28,405,957, G>A on the plus strand (C>T on the coding strand, the complement: SLC46A1 is on the minus strand). VCF-style: chr17-28405957-G-A. GRCh37 (hg19) VCF-style: chr17-26732975-G-A.
Other names: c.158C>T (NM_080669.5); c.158C>T, p.Ala53Val (NM_001242366.3); short protein forms A53V.
Identifiers: ClinVar variation 193481 (VCV000193481.23), dbSNP rs41297069, ClinGen allele CA026499.

ClinVar aggregate classification (germline): Conflicting classifications of pathogenicity. Review status: criteria provided, conflicting classifications (1 of 4 stars). 7 submissions from 7 submitters: Uncertain significance (3); Likely benign (3). 1 of the submissions does not count toward it. Last evaluated 2026-01-28.

Conditions:
Inborn genetic diseases. Identifiers: MedGen C0950123, MeSH D030342.
SLC46A1-related disorder. Also called: SLC46A1-related condition.
Congenital defect of folate absorption. Also called: Hereditary Folate Malabsorption. Identifiers: Orphanet 90045, MedGen C0342705, MONDO:0009238, OMIM 229050.

Allele frequency attached by ClinVar (database versions not stated): gnomAD exomes 0.00022; ExAC 0.00027; TOPMed 0.00085; gnomAD 0.00108; 1000 Genomes Project 0.00120; ESP Exome Variant Server 0.00130; 1000 Genomes Project 30x 0.00141.
gnomAD v4.1: 276 of 1,611,536 alleles (0.017%); highest among the groups gnomAD compares: African/African-American, 0.33%; no homozygotes.

Submissions (7):

Labcorp Genetics (formerly Invitae), Labcorp
Classification: Likely benign. Last evaluated: 2026-01-28. Review status: criteria provided, single submitter. Criteria: Invitae Variant Classification Sherloc (09022015). Collection method: clinical testing. Allele origin: germline.

Women's Health and Genetics/Laboratory Corporation of America, LabCorp
Classification: Likely benign. Last evaluated: 2025-12-17. Review status: criteria provided, single submitter. Criteria: LabCorp Variant Classification Summary - May 2015. Collection method: clinical testing. Allele origin: germline.
Comment: Variant summary: SLC46A1 c.158C>T (p.Ala53Val) results in a non-conservative amino acid change in the encoded protein sequence. Algorithms developed to predict the effect of missense changes on protein structure and function are either unavailable or do not agree on the potential impact of this missense change. The variant allele was found at a frequency of 0.00022 in 241094 control chromosomes, predominantly at a frequency of 0.0033 within the African or African-American subpopulation in the gnomAD database. The observed variant frequency within African or African-American control individuals in the gnomAD database exceeds the estimated maximal expected allele frequency for disease-causing variants in SLC46A1. To our knowledge, no occurrence of c.158C>T in individuals affected with SLC46A1-related conditions and no experimental evidence demonstrating its impact on protein function have been reported. ClinVar contains an entry for this variant (Variation ID: 193481). Based on the evidence outlined above, the variant was classified as likely benign.

Clinical Genomic Analysis (GENYSIS) Core, University of North Carolina at Chapel Hill
Classification: Uncertain significance for Congenital defect of folate absorption. Last evaluated: 2024-01-22. Review status: criteria provided, single submitter. Criteria: ACMG Guidelines, 2015. Collection method: research. Allele origin: paternal. Observed: 1 compound heterozygote. Study: UNC Genetic Determinants of Neurological and Developmental Disorders (GDNDD) Study.
Comment: SLC46A1 c.158C>T, p.(Ala53Val), is a missense variant that changes a single amino acid from an alanine acid to a valine. This variant is present at a maximum population allele frequency of 0.33% (249/75022 alleles, no homozygotes) in the gnomADv4.0 population database and reported with conflicting interpretations (uncertain significance, likely benign) in ClinVar. Multiple in silico models predict that the c.158C>T variant has no impact on the gene or protein product. Given the available evidence, this variant is classified as a variant of uncertain significance.

Ambry Genetics
Classification: Likely benign for Inborn genetic diseases. Last evaluated: 2023-03-07. Review status: criteria provided, single submitter. Criteria: Ambry Variant Classification Scheme 2023. Collection method: clinical testing. Allele origin: germline.

Illumina Laboratory Services, Illumina
Classification: Uncertain significance for Congenital defect of folate absorption. Last evaluated: 2018-01-13. Review status: criteria provided, single submitter. Criteria: ICSL Variant Classification Criteria 13 December 2019. Collection method: clinical testing. Allele origin: germline.

Eurofins Ntd Llc (ga)
Classification: Uncertain significance. Last evaluated: 2015-05-22. Review status: criteria provided, single submitter. Criteria: EGL Classification Definitions 2015. Collection method: clinical testing. Allele origin: germline. Observed: 2 variant alleles, 2 heterozygotes.

PreventionGenetics, part of Exact Sciences
Classification: Likely benign for SLC46A1-related condition. Last evaluated: 2022-02-15. Review status: no assertion criteria provided. Collection method: clinical testing. Allele origin: germline. Not counted in ClinVar's aggregate classification.
Comment: This variant is classified as likely benign based on ACMG/AMP sequence variant interpretation guidelines (Richards et al. 2015 PMID: 25741868, with internal and published modifications).